The following is an entry in ClinVar:

NM_004370.6(COL12A1):c.5894G>A (p.Arg1965His)

Gene: COL12A1 (collagen type XII alpha 1 chain; minus strand). Cytogenetic location: 6q13.
Variant type: single nucleotide variant.
Coding change: c.5894G>A on transcript NM_004370.6 (MANE Select); coding-DNA position 5894, G replaced by A.
Protein change: p.Arg1965His; replaces arginine 1965 with histidine.
Molecular consequence: missense variant.
Genome position (GRCh38, 1-based): chr6:75,131,983, C>T on the plus strand (G>A on the coding strand, the complement: COL12A1 is on the minus strand). VCF-style: chr6-75131983-C-T. GRCh37 (hg19) VCF-style: chr6-75841699-C-T.
Other names: c.2402G>A, p.Arg801His (NM_080645.3); c.5894G>A (NM_004370.5); short protein forms R1965H, R801H.
Identifiers: ClinVar variation 2440264 (VCV002440264.7), dbSNP rs199747984, ClinGen allele CA3892971.

ClinVar aggregate classification (germline): Conflicting classifications of pathogenicity. Review status: criteria provided, conflicting classifications (1 of 4 stars). 3 submissions from 3 submitters: Uncertain significance (2); Likely benign (1). Last evaluated 2026-03-04.

Conditions:
Ullrich congenital muscular dystrophy 2 (UCMD2). Identifiers: Orphanet 75840, MedGen C4225314, MONDO:0014654, OMIM 616470.
Bethlem myopathy 2 (BTHLM2). Identifiers: Orphanet 536516, Orphanet 610, MedGen C4225313, MONDO:0034022, OMIM 616471.

Allele frequency attached by ClinVar (database versions not stated): gnomAD exomes below 0.00001; TOPMed 0.00003.
gnomAD v4.1: 8 of 1,613,968 alleles (0.0005%); highest among the groups gnomAD compares: East Asian, 0.0067%; no homozygotes.

Submissions (3):

GeneDx
Classification: Uncertain significance. Last evaluated: 2026-03-04. Review status: criteria provided, single submitter. Criteria: GeneDx Variant Classification Process June 2021. Collection method: clinical testing. Allele origin: germline.
Comment: Has not been previously published as pathogenic or benign to our knowledge; In silico analysis suggests that this missense variant does not alter protein structure/function

Labcorp Genetics (formerly Invitae), Labcorp
Classification: Likely benign for Bethlem myopathy 2; Ullrich congenital muscular dystrophy 2. Last evaluated: 2023-03-16. Review status: criteria provided, single submitter. Criteria: Invitae Variant Classification Sherloc (09022015). Collection method: clinical testing. Allele origin: germline.

Revvity Omics, Revvity
Classification: Uncertain significance. Last evaluated: 2020-02-13. Review status: criteria provided, single submitter. Criteria: ACMG Guidelines, 2015. Collection method: clinical testing. Allele origin: germline.